The following is an entry in ClinVar:

ClinVar aggregate classification (germline): Likely benign. Review status: criteria provided, multiple submitters, no conflicts (2 of 4 stars). 3 submissions from 3 submitters: Likely benign (2). 1 of the submissions does not count toward it. Last evaluated 2022-09-14.

Conditions:
Inborn genetic diseases. Identifiers: MedGen C0950123, MeSH D030342.
ANKLE2-related disorder. Also called: ANKLE2-related condition.

Allele frequency attached by ClinVar (database versions not stated): gnomAD 0.00002 and 0.00021; TOPMed 0.00006; gnomAD exomes 0.00036 and 0.00076; ExAC 0.00090; 1000 Genomes Project 30x 0.00250; 1000 Genomes Project 0.00260.
gnomAD v4.1: 569 of 1,614,090 alleles (0.035%); highest among the groups gnomAD compares: South Asian, 0.58%; 11 homozygotes.

Submissions (3):

Ambry Genetics
Classification: Likely benign for Inborn genetic diseases. Last evaluated: 2022-09-14. Review status: criteria provided, single submitter. Criteria: Ambry Variant Classification Scheme 2023. Collection method: clinical testing. Allele origin: germline.

Labcorp Genetics (formerly Invitae), Labcorp
Classification: Likely benign. Last evaluated: 2018-06-15. Review status: criteria provided, single submitter. Criteria: Invitae Variant Classification Sherloc (09022015). Collection method: clinical testing. Allele origin: germline.

PreventionGenetics, part of Exact Sciences
Classification: Likely benign for ANKLE2-related condition. Last evaluated: 2019-06-27. Review status: no assertion criteria provided. Collection method: clinical testing. Allele origin: germline. Not counted in ClinVar's aggregate classification.
Comment: This variant is classified as likely benign based on ACMG/AMP sequence variant interpretation guidelines (Richards et al. 2015 PMID: 25741868, with internal and published modifications).

NM_015114.3(ANKLE2):c.1874A>T (p.Asp625Val)

Gene: ANKLE2 (ankyrin repeat and LEM domain containing 2; minus strand). Cytogenetic location: 12q24.33.
Variant type: single nucleotide variant.
Coding change: c.1874A>T on transcript NM_015114.3 (MANE Select); coding-DNA position 1874, A replaced by T.
Protein change: p.Asp625Val; replaces aspartic acid 625 with valine.
Molecular consequence: missense variant.
Genome position (GRCh38, 1-based): chr12:132,734,402, T>A on the plus strand (A>T on the coding strand, the complement: ANKLE2 is on the minus strand). VCF-style: chr12-132734402-T-A. GRCh37 (hg19) VCF-style: chr12-133310988-T-A.
Other names: c.1874A>T (NM_015114.1); short protein forms D625V.
Identifiers: ClinVar variation 739769 (VCV000739769.8), dbSNP rs547572056, ClinGen allele CA6895456.